The following is an entry in ClinVar:

ClinVar aggregate classification (germline): Likely benign. Review status: criteria provided, multiple submitters, no conflicts (2 of 4 stars). 3 submissions from 3 submitters: Likely benign (2). 1 of the submissions does not count toward it. Last evaluated 2025-01-28.

Conditions:
GP1BA-related disorder. Also called: GP1BA-related condition.

Allele frequency attached by ClinVar (database versions not stated): gnomAD exomes 0.00013; ExAC 0.00053; gnomAD 0.00066; ESP Exome Variant Server 0.00105; 1000 Genomes Project 0.00140.

Submissions (3):

Women's Health and Genetics/Laboratory Corporation of America, LabCorp
Classification: Likely benign. Last evaluated: 2025-01-28. Review status: criteria provided, single submitter. Criteria: LabCorp Variant Classification Summary - May 2015. Collection method: clinical testing. Allele origin: germline.
Comment: Variant summary: GP1BA c.1262C>T (p.Pro421Leu) results in a non-conservative amino acid change in the encoded protein sequence. Three of five in-silico tools predict a benign effect of the variant on protein function. The variant allele was found at a frequency of 0.00028 in 167402 control chromosomes, predominantly at a frequency of 0.0048 within the African or African-American subpopulation in the gnomAD database. The observed variant frequency within African or African-American control individuals in the gnomAD database exceeds the estimated maximal expected allele frequency for a pathogenic variant in GP1BA causing Bernard-Soulier Syndrome, Type A2, Autosomal Dominant phenotype. To our knowledge, no occurrence of c.1262C>T in individuals affected with Bernard-Soulier Syndrome, Type A2, Autosomal Dominant and no experimental evidence demonstrating its impact on protein function have been reported. ClinVar contains an entry for this variant (Variation ID: 3046830). Based on the evidence outlined above, the variant was classified as likely benign.

Blueprint Genetics
Classification: Likely benign. Last evaluated: 2024-11-05. Review status: criteria provided, single submitter. Criteria: ACMG Guidelines, 2015. Collection method: clinical testing. Allele origin: germline.

PreventionGenetics, part of Exact Sciences
Classification: Likely benign for GP1BA-related condition. Last evaluated: 2022-08-03. Review status: no assertion criteria provided. Collection method: clinical testing. Allele origin: germline. Not counted in ClinVar's aggregate classification.
Comment: This variant is classified as likely benign based on ACMG/AMP sequence variant interpretation guidelines (Richards et al. 2015 PMID: 25741868, with internal and published modifications).

NM_000173.7(GP1BA):c.1262C>T (p.Pro421Leu)

Gene: GP1BA (glycoprotein Ib platelet subunit alpha; plus strand). Cytogenetic location: 17p13.2.
Variant type: single nucleotide variant.
Coding change: c.1262C>T on transcript NM_000173.7 (MANE Select); coding-DNA position 1262, C replaced by T.
Protein change: p.Pro421Leu; replaces proline 421 with leucine.
Molecular consequence: missense variant.
Genome position (GRCh38, 1-based): chr17:4,933,866, C>T. VCF-style: chr17-4933866-C-T. GRCh37 (hg19) VCF-style: chr17-4837161-C-T.
Other names: short protein forms P421L.
Identifiers: ClinVar variation 3046830 (VCV003046830.5), dbSNP rs202087119, ClinGen allele CA8314945.